The following is an entry in ClinVar:

NM_015662.3(IFT172):c.771A>G (p.Leu257=)

Gene: IFT172 (intraflagellar transport 172; minus strand). Cytogenetic location: 2p23.3.
Variant type: single nucleotide variant.
Coding change: c.771A>G on transcript NM_015662.3 (MANE Select); coding-DNA position 771, A replaced by G.
Protein change: p.Leu257=; no amino-acid change (leucine 257 retained).
Molecular consequence: synonymous variant.
Genome position (GRCh38, 1-based): chr2:27,481,060, T>C on the plus strand (A>G on the coding strand, the complement: IFT172 is on the minus strand). VCF-style: chr2-27481060-T-C. GRCh37 (hg19) VCF-style: chr2-27703927-T-C.
Other names: c.771A>G (NM_015662.2).
Identifiers: ClinVar variation 1081058 (VCV001081058.13), dbSNP rs756245677, ClinGen allele CA1580881.

ClinVar aggregate classification (germline): Likely benign. Review status: criteria provided, multiple submitters, no conflicts (2 of 4 stars). 3 submissions from 3 submitters: Likely benign (2). 1 of the submissions does not count toward it. Last evaluated 2024-05-21.

Conditions:
IFT172-related disorder. Also called: IFT172-related disorders; IFT172-related condition.
Short-rib thoracic dysplasia 10 with or without polydactyly (SRTD10). Identifiers: Orphanet 474, MedGen C3810175, MONDO:0014284, OMIM 615630.
Retinitis pigmentosa 71 (RP71). Identifiers: Orphanet 791, MedGen C4225342, MONDO:0014618, OMIM 616394.

Allele frequency attached by ClinVar (database versions not stated): ExAC 0.00001; gnomAD exomes 0.00001; gnomAD 0.00002; TOPMed 0.00002.
gnomAD v4.1: 3 of 1,613,726 alleles (0.00019%); highest among the groups gnomAD compares: African/African-American, 0.004%; no homozygotes.

Submissions (3):

Blueprint Genetics
Classification: Likely benign. Last evaluated: 2024-05-21. Review status: criteria provided, single submitter. Criteria: ACMG Guidelines, 2015. Collection method: clinical testing. Allele origin: germline.

Labcorp Genetics (formerly Invitae), Labcorp
Classification: Likely benign for Retinitis pigmentosa 71; Short-rib thoracic dysplasia 10 with or without polydactyly. Last evaluated: 2023-08-30. Review status: criteria provided, single submitter. Criteria: Invitae Variant Classification Sherloc (09022015). Collection method: clinical testing. Allele origin: germline.

PreventionGenetics, part of Exact Sciences
Classification: Likely benign for IFT172-related condition. Last evaluated: 2021-04-20. Review status: no assertion criteria provided. Collection method: clinical testing. Allele origin: germline. Not counted in ClinVar's aggregate classification.
Comment: This variant is classified as likely benign based on ACMG/AMP sequence variant interpretation guidelines (Richards et al. 2015 PMID: 25741868, with internal and published modifications).